The following is an entry in ClinVar:

NM_004068.4(AP2M1):c.788T>A (p.Ile263Asn)

Gene: AP2M1 (adaptor related protein complex 2 subunit mu 1; plus strand). Cytogenetic location: 3q27.1.
Variant type: single nucleotide variant.
Coding change: c.788T>A on transcript NM_004068.4 (MANE Select); coding-DNA position 788, T replaced by A.
Protein change: p.Ile263Asn; replaces isoleucine 263 with asparagine.
Molecular consequence: missense variant.
Genome position (GRCh38, 1-based): chr3:184,181,776, T>A. VCF-style: chr3-184181776-T-A. GRCh37 (hg19) VCF-style: chr3-183899564-T-A.
Other names: c.782T>A, p.Ile261Asn (NM_001025205.2); c.863T>A, p.Ile288Asn (NM_001311198.2); short protein forms I261N, I263N, I288N.
Identifiers: ClinVar variation 4996362 (VCV004996362.1).

ClinVar aggregate classification (germline): Uncertain significance (1 of 4 stars; one submission).

Conditions:
AP2M1-related disorder. Also called: AP2M1-related condition.

Submission:

PreventionGenetics, part of Exact Sciences
Classification: Uncertain significance for AP2M1-related condition. Last evaluated: 2026-01-05. Review status: criteria provided, single submitter. Criteria: ACMG Guidelines, 2015. Collection method: clinical testing. Allele origin: germline.
Comment: The AP2M1 c.863T>A variant is predicted to result in the amino acid substitution p.Ile288Asn. To our knowledge, this variant has not been reported in the literature or in a large population database (gnomAD), indicating this variant is rare. At this time, the clinical significance of this variant is uncertain due to the absence of conclusive functional and genetic evidence.